The following is an entry in ClinVar:

NM_201525.4(ADGRG1):c.1597G>A (p.Val533Met)

Gene: ADGRG1 (adhesion G protein-coupled receptor G1; plus strand). Cytogenetic location: 16q21.
Variant type: single nucleotide variant.
Coding change: c.1597G>A on transcript NM_201525.4 (MANE Select); coding-DNA position 1597, G replaced by A.
Protein change: p.Val533Met; replaces valine 533 with methionine.
Molecular consequence: missense variant.
Genome position (GRCh38, 1-based): chr16:57,660,809, G>A. VCF-style: chr16-57660809-G-A. GRCh37 (hg19) VCF-style: chr16-57694721-G-A.
Other names: c.1597G>A, p.Val533Met (NM_001145770.3, NM_001145772.3, NM_001145774.3 and 7 more transcripts); c.1615G>A, p.Val539Met (NM_001145771.3, NM_001370428.1, NM_001370429.1 and 4 more transcripts); c.1612G>A, p.Val538Met (NM_001145773.3, NM_001370433.1, NM_001370434.1); c.1105G>A, p.Val369Met (NM_001290142.2); c.1090G>A, p.Val364Met (NM_001290143.2); c.1072G>A, p.Val358Met (NM_001290144.2, NM_001370451.1, NM_001370453.1 and 1 more transcripts); c.1594G>A, p.Val532Met (NM_001370441.1); c.1441G>A, p.Val481Met (NM_001370442.1); short protein forms V358M, V364M, V369M, V532M, V481M, V533M, V539M, V538M.
Identifiers: ClinVar variation 886846 (VCV000886846.6), dbSNP rs768523392, ClinGen allele CA8078805.

ClinVar aggregate classification (germline): Uncertain significance. Review status: criteria provided, multiple submitters, no conflicts (2 of 4 stars). 3 submissions from 3 submitters: Uncertain significance (3). Last evaluated 2025-11-08.

Conditions:
Inborn genetic diseases. Identifiers: MedGen C0950123, MeSH D030342.
Bilateral frontoparietal polymicrogyria. Also called: CORTICAL DYSPLASIA, COMPLEX, WITH OTHER BRAIN MALFORMATIONS 14A (BILATERAL FRONTOPARIETAL); CEREBELLAR ATAXIA WITH NEURONAL MIGRATION DEFECT. Identifiers: Orphanet 101070, MedGen C1847352, MONDO:0011738, OMIM 606854.

Allele frequency attached by ClinVar (database versions not stated): ExAC 0.00002; gnomAD 0.00001; gnomAD exomes 0.00002 and 0.00001; TOPMed 0.00005.
gnomAD v4.1: 13 of 1,613,470 alleles (0.00081%); highest among the groups gnomAD compares: Admixed American, 0.015%; no homozygotes.

Submissions (3):

Ambry Genetics
Classification: Uncertain significance for Inborn genetic diseases. Last evaluated: 2025-11-08. Review status: criteria provided, single submitter. Criteria: Ambry Variant Classification Scheme 2023. Collection method: clinical testing. Allele origin: germline.

Labcorp Genetics (formerly Invitae), Labcorp
Classification: Uncertain significance. Last evaluated: 2022-05-27. Review status: criteria provided, single submitter. Criteria: Invitae Variant Classification Sherloc (09022015). Collection method: clinical testing. Allele origin: germline.
Comment: This sequence change replaces valine, which is neutral and non-polar, with methionine, which is neutral and non-polar, at codon 539 of the ADGRG1 protein (p.Val539Met). This variant is present in population databases (rs768523392, gnomAD 0.01%). This variant has not been reported in the literature in individuals affected with ADGRG1-related conditions. ClinVar contains an entry for this variant (Variation ID: 886846). Advanced modeling of protein sequence and biophysical properties (such as structural, functional, and spatial information, amino acid conservation, physicochemical variation, residue mobility, and thermodynamic stability) performed at Invitae indicates that this missense variant is not expected to disrupt ADGRG1 protein function. In summary, the available evidence is currently insufficient to determine the role of this variant in disease. Therefore, it has been classified as a Variant of Uncertain Significance.

Illumina Laboratory Services, Illumina
Classification: Uncertain significance for Bilateral frontoparietal polymicrogyria. Last evaluated: 2018-01-13. Review status: criteria provided, single submitter. Criteria: ICSL Variant Classification Criteria 13 December 2019. Collection method: clinical testing. Allele origin: germline.